The following is an entry in ClinVar:

NM_001018115.3(FANCD2):c.1810G>A (p.Asp604Asn)

Genes: FANCD2 (FA complementation group D2; plus strand), LOC107303338 (3p25 FANCD2 Alu-mediated recombination region; plus strand). Cytogenetic location: 3p25.3.
Variant type: single nucleotide variant.
Coding change: c.1810G>A on transcript NM_001018115.3 (MANE Select); coding-DNA position 1810, G replaced by A.
Protein change: p.Asp604Asn; replaces aspartic acid 604 with asparagine.
Molecular consequence: missense variant.
Genome position (GRCh38, 1-based): chr3:10,062,194, G>A. VCF-style: chr3-10062194-G-A. GRCh37 (hg19) VCF-style: chr3-10103878-G-A.
Other names: c.1810G>A, p.Asp604Asn (NM_001319984.2, NM_001374254.1, NM_033084.6); c.1699G>A, p.Asp567Asn (NM_001374253.1); short protein forms D604N, D567N.
Identifiers: ClinVar variation 241733 (VCV000241733.12), dbSNP rs145170666, ClinGen allele CA2249811.

ClinVar aggregate classification (germline): Uncertain significance. Review status: criteria provided, multiple submitters, no conflicts (2 of 4 stars). 3 submissions from 3 submitters: Uncertain significance (3). Last evaluated 2025-12-23.

Conditions:
Fanconi anemia (FA). Also called: Fanconi's anemia. Identifiers: Orphanet 84, MedGen C0015625, MeSH D005199, MONDO:0019391.
Fanconi anemia complementation group D2. Also called: FANCD2-Related Fanconi Anemia; FANCONI PANCYTOPENIA, TYPE 4; FANCONI ANEMIA, COMPLEMENTATION GROUP D. Identifiers: Orphanet 84, MedGen C3160738, MONDO:0009214, OMIM 227646.

Allele frequency attached by ClinVar (database versions not stated): ExAC 0.00002; gnomAD exomes 0.00002; gnomAD 0.00003 and 0.00004; TOPMed 0.00004; ESP Exome Variant Server 0.00015.
gnomAD v4.1: 42 of 1,612,916 alleles (0.0026%); highest among the groups gnomAD compares: African/African-American, 0.0094%; no homozygotes.

Submissions (3):

Labcorp Genetics (formerly Invitae), Labcorp
Classification: Uncertain significance for Fanconi anemia. Last evaluated: 2025-12-23. Review status: criteria provided, single submitter. Criteria: Invitae Variant Classification Sherloc (09022015). Collection method: clinical testing. Allele origin: germline.
Comment: This sequence change replaces aspartic acid, which is acidic and polar, with asparagine, which is neutral and polar, at codon 604 of the FANCD2 protein (p.Asp604Asn). This variant is present in population databases (rs145170666, gnomAD 0.007%). This variant has not been reported in the literature in individuals affected with FANCD2-related conditions. ClinVar contains an entry for this variant (Variation ID: 241733). Invitae Evidence Modeling of protein sequence and biophysical properties (such as structural, functional, and spatial information, amino acid conservation, physicochemical variation, residue mobility, and thermodynamic stability) indicates that this missense variant is not expected to disrupt FANCD2 protein function with a negative predictive value of 80%. In summary, the available evidence is currently insufficient to determine the role of this variant in disease. Therefore, it has been classified as a Variant of Uncertain Significance.

Institute for Clinical Genetics, University Hospital TU Dresden, University Hospital TU Dresden
Classification: Uncertain significance. Last evaluated: 2021-11-03. Review status: criteria provided, single submitter. Criteria: ACMG Guidelines, 2015. Collection method: clinical testing. Allele origin: germline.

Fulgent Genetics
Classification: Uncertain significance for Fanconi anemia complementation group D2. Last evaluated: 2021-10-14. Review status: criteria provided, single submitter. Criteria: ACMG Guidelines, 2015. Collection method: clinical testing. Allele origin: unknown.